The following is an entry in ClinVar:

ClinVar aggregate classification (germline): Benign/Likely benign. Review status: criteria provided, multiple submitters, no conflicts (2 of 4 stars). 6 submissions from 6 submitters: Benign (1); Likely benign (4). 1 of the submissions does not count toward it. Last evaluated 2025-10-01.

Conditions:
SDHD-related disorder. Also called: SDHD-related condition.
Paragangliomas with sensorineural hearing loss. Identifiers: MedGen C1868633.
Pheochromocytoma. Also called: MAX-Related Hereditary Paraganglioma-Pheochromocytoma Syndrome. Identifiers: Orphanet 29072, MedGen C0031511, MONDO:0008233, OMIM 171300, HP:0002666.
Cowden syndrome 3 (CWS3). Identifiers: Orphanet 201, MedGen CN166604, MONDO:0014045.
Carney-Stratakis syndrome. Also called: PARAGANGLIOMA AND GASTROINTESTINAL STROMAL TUMOR. Identifiers: Orphanet 97286, MedGen C1847319, MONDO:0011740, OMIM 606864.
Hereditary cancer-predisposing syndrome. Also called: Neoplastic Syndromes, Hereditary; Hereditary neoplastic syndrome; Tumor predisposition; Hereditary Cancer Syndrome. Identifiers: Orphanet 140162, MedGen C0027672, MeSH D009386, MONDO:0015356.
Hereditary pheochromocytoma and paraganglioma. Also called: Hereditary Paraganglioma-Pheochromocytoma Syndromes; Hereditary paragangliomas and pheochromocytomas; Hereditary pheochromocytoma-paraganglioma. Identifiers: Orphanet 29072, MedGen C4274332, MONDO:0017366.
Pheochromocytoma/paraganglioma syndrome 1. Also called: Paragangliomas 1; Glomus tumors familial 1; Paraganglioma - glomus jugulare; SDHD-Related Hereditary Paraganglioma-Pheochromocytoma Syndrome; PARAGANGLIOMAS, FAMILIAL NONCHROMAFFIN, 1; PGL 1. Identifiers: Orphanet 29072, MedGen C3494181, MONDO:0008192, OMIM 168000.

Allele frequency attached by ClinVar (database versions not stated): gnomAD 0.00001; gnomAD exomes 0.00001; TOPMed 0.00002.
gnomAD v4.1: 8 of 1,611,952 alleles (0.0005%); highest among the groups gnomAD compares: African/African-American, 0.0067%; no homozygotes.

Submissions (6):

Labcorp Genetics (formerly Invitae), Labcorp
Classification: Likely benign for Carney-Stratakis syndrome; Paragangliomas with sensorineural hearing loss; Pheochromocytoma; Cowden syndrome 3. Last evaluated: 2025-10-01. Review status: criteria provided, single submitter. Criteria: Invitae Variant Classification Sherloc (09022015). Collection method: clinical testing. Allele origin: germline.

Myriad Genetics, Inc.
Classification: Benign for Pheochromocytoma/paraganglioma syndrome 1. Last evaluated: 2025-03-17. Review status: criteria provided, single submitter. Criteria: Myriad Autosomal Dominant, Autosomal Recessive and X-Linked Classification Criteria (2023). Collection method: clinical testing. Allele origin: unknown.
Comment: This variant is considered benign. This variant is a silent/synonymous amino acid change and it is not expected to impact splicing.

All of Us Research Program, National Institutes of Health
Classification: Likely benign for Hereditary pheochromocytoma and paraganglioma. Last evaluated: 2023-06-15. Review status: criteria provided, single submitter. Criteria: ACMG Guidelines, 2015. Collection method: clinical testing. Allele origin: germline. Inheritance: Autosomal dominant inheritance. Observed: 2 variant alleles, 2 heterozygotes.
Comment: This study involves interpretation of variants in research participants for the purpose of population health screening. Participant phenotype was not available at the time of variant classification. Additional details can be found in publication PMID: 35346344, PMCID: PMC8962531

Sema4
Classification: Likely benign for Hereditary cancer-predisposing syndrome. Last evaluated: 2021-12-17. Review status: criteria provided, single submitter. Criteria: Sema4 Curation Guidelines. Collection method: curation. Allele origin: germline.

Ambry Genetics
Classification: Likely benign for Hereditary cancer-predisposing syndrome. Last evaluated: 2018-05-08. Review status: criteria provided, single submitter. Criteria: Ambry Variant Classification Scheme 2023. Collection method: clinical testing. Allele origin: germline.

PreventionGenetics, part of Exact Sciences
Classification: Likely benign for SDHD-related condition. Last evaluated: 2024-07-05. Review status: no assertion criteria provided. Collection method: clinical testing. Allele origin: germline. Not counted in ClinVar's aggregate classification.
Comment: This variant is classified as likely benign based on ACMG/AMP sequence variant interpretation guidelines (Richards et al. 2015 PMID: 25741868, with internal and published modifications).

NM_003002.4(SDHD):c.342T>C (p.Tyr114=)

Gene: SDHD (succinate dehydrogenase complex subunit D; plus strand). Cytogenetic location: 11q23.1.
Variant type: single nucleotide variant.
Coding change: c.342T>C on transcript NM_003002.4 (MANE Select); coding-DNA position 342, T replaced by C.
Protein change: p.Tyr114=; no amino-acid change (tyrosine 114 retained).
Molecular consequence: synonymous variant. On other transcripts: missense variant (1), 3 prime UTR variant (1), non-coding transcript variant (1).
Genome position (GRCh38, 1-based): chr11:112,094,832, T>C. VCF-style: chr11-112094832-T-C. GRCh37 (hg19) VCF-style: chr11-111965556-T-C.
Other names: c.197T>C (NM_001276503.1); c.197T>C, p.Met66Thr (NM_001276503.2); c.225T>C, p.Tyr75= (NM_001276504.2); c.*40T>C (NM_001276506.2); short protein forms M66T.
Identifiers: ClinVar variation 465234 (VCV000465234.20), dbSNP rs1050032491, ClinGen allele CA228555628.